The following is an entry in ClinVar:

NM_198578.4(LRRK2):c.1865G>C (p.Gly622Ala)

Gene: LRRK2 (leucine rich repeat kinase 2; plus strand). Cytogenetic location: 12q12.
Variant type: single nucleotide variant.
Coding change: c.1865G>C on transcript NM_198578.4 (MANE Select); coding-DNA position 1865, G replaced by C.
Protein change: p.Gly622Ala; replaces glycine 622 with alanine.
Molecular consequence: missense variant.
Genome position (GRCh38, 1-based): chr12:40,274,917, G>C. VCF-style: chr12-40274917-G-C. GRCh37 (hg19) VCF-style: chr12-40668719-G-C.
Other names: short protein forms G622A.
Identifiers: ClinVar variation 662235 (VCV000662235.8), dbSNP rs1592203496, ClinGen allele CA384403441.

ClinVar aggregate classification (germline): Uncertain significance (1 of 4 stars; one submission).

Conditions:
Autosomal dominant Parkinson disease 8. Also called: LRRK2-Related Parkinson Disease; Parkinson disease 8; Parkinson disease 8, susceptibility to. Identifiers: Orphanet 411602, MedGen C1846862, MONDO:0011764, OMIM 607060.

Submission:

Labcorp Genetics (formerly Invitae), Labcorp
Classification: Uncertain significance for Autosomal dominant Parkinson disease 8. Last evaluated: 2020-02-14. Review status: criteria provided, single submitter. Criteria: Invitae Variant Classification Sherloc (09022015). Collection method: clinical testing. Allele origin: germline.
Comment: This variant is not present in population databases (ExAC no frequency). This variant has not been reported in the literature in individuals with LRRK2-related disease. Algorithms developed to predict the effect of missense changes on protein structure and function output the following: SIFT: "Tolerated"; PolyPhen-2: "Benign"; Align-GVGD: "Class C0". The alanine amino acid residue is found in multiple mammalian species, suggesting that this missense change does not adversely affect protein function. These predictions have not been confirmed by published functional studies and their clinical significance is uncertain. In summary, the available evidence is currently insufficient to determine the role of this variant in disease. Therefore, it has been classified as a Variant of Uncertain Significance. This sequence change replaces glycine with alanine at codon 622 of the LRRK2 protein (p.Gly622Ala). The glycine residue is weakly conserved and there is a small physicochemical difference between glycine and alanine.